The following is an entry in ClinVar:

NM_177965.4(CFAP418):c.129C>A (p.Asn43Lys)

Genes: CFAP418 (cilia and flagella associated protein 418; minus strand), CFAP418-AS1 (CFAP418 antisense RNA 1; plus strand), LOC130000784 (ATAC-STARR-seq lymphoblastoid active region 27655; plus strand). Cytogenetic location: 8q22.1.
Variant type: single nucleotide variant.
Coding change: c.129C>A on transcript NM_177965.4 (MANE Select); coding-DNA position 129, C replaced by A.
Protein change: p.Asn43Lys; replaces asparagine 43 with lysine.
Molecular consequence: missense variant.
Genome position (GRCh38, 1-based): chr8:95,269,061, G>T on the plus strand (C>A on the coding strand, the complement: CFAP418 is on the minus strand). VCF-style: chr8-95269061-G-T. GRCh37 (hg19) VCF-style: chr8-96281289-G-T.
Other names: c.129C>A, p.Asn43Lys (NM_001363260.1); c.129C>A (NM_177965.3); short protein forms N43K.
Identifiers: ClinVar variation 1681147 (VCV001681147.8), dbSNP rs759868148, ClinGen allele CA4815267.

ClinVar aggregate classification (germline): Uncertain significance. Review status: criteria provided, single submitter (1 of 4 stars). 2 submissions from 2 submitters: Uncertain significance (1). 1 of the submissions does not count toward it. Last evaluated 2022-08-23.

Conditions:
CFAP418-related disorder. Also called: CFAP418-related condition.

Allele frequency attached by ClinVar (database versions not stated): gnomAD 0.00001.
gnomAD v4.1: 2 of 1,614,030 alleles (0.00012%); highest among the groups gnomAD compares: African/African-American, 0.0027%; no homozygotes.

Submissions (2):

Labcorp Genetics (formerly Invitae), Labcorp
Classification: Uncertain significance. Last evaluated: 2022-08-23. Review status: criteria provided, single submitter. Criteria: Invitae Variant Classification Sherloc (09022015). Collection method: clinical testing. Allele origin: germline.
Comment: This variant has not been reported in the literature in individuals affected with C8orf37-related conditions. ClinVar contains an entry for this variant (Variation ID: 1681147). Algorithms developed to predict the effect of missense changes on protein structure and function (SIFT, PolyPhen-2, Align-GVGD) all suggest that this variant is likely to be tolerated. In summary, the available evidence is currently insufficient to determine the role of this variant in disease. Therefore, it has been classified as a Variant of Uncertain Significance. This sequence change replaces asparagine, which is neutral and polar, with lysine, which is basic and polar, at codon 43 of the C8orf37 protein (p.Asn43Lys). This variant is present in population databases (rs759868148, gnomAD 0.01%).

PreventionGenetics, part of Exact Sciences
Classification: Uncertain significance for CFAP418-related condition. Last evaluated: 2024-07-25. Review status: no assertion criteria provided. Collection method: clinical testing. Allele origin: germline. Not counted in ClinVar's aggregate classification.
Comment: The CFAP418 c.129C>A variant is predicted to result in the amino acid substitution p.Asn43Lys. To our knowledge, this variant has not been reported in the literature. This variant is reported in 0.012% of alleles in individuals of African descent in gnomAD. At this time, the clinical significance of this variant is uncertain due to the absence of conclusive functional and genetic evidence.